The following is an entry in ClinVar:

NM_003494.4(DYSF):c.1487del (p.Pro496fs)

Gene: DYSF (dysferlin; plus strand). Cytogenetic location: 2p13.2.
Variant type: Deletion.
Coding change: c.1487del on transcript NM_003494.4 (MANE Plus Clinical); coding-DNA position 1487, one base deleted (C; older notation c.1487delC).
Protein change: p.Pro496fs; shifts the reading frame from proline 496.
Molecular consequence: frameshift variant. On other transcripts: intron variant (8).
Genome position (GRCh38, 1-based): chr2:71,549,356, C deleted; the last of 2 consecutive C bases (chr2:71,549,355-71,549,356); deleting either gives the same sequence. VCF-style (leftmost placement, unchanged base first): chr2-71549354-GC-G. GRCh37 (hg19) VCF-style: chr2-71776484-GC-G.
Other names: c.1490del, p.Pro497fs (NM_001130455.2, NM_001130983.2); c.1487del, p.Pro496fs (NM_001130978.2); c.1580del, p.Pro527fs (NM_001130979.2); c.1583del, p.Pro528fs (NM_001130982.2); c.1574-1685del (NM_001130981.2, NM_001130980.2); c.1481-1685del (NM_001130977.2, NM_001130976.2); c.1577-1685del (NM_001130987.2, NM_001130985.2); c.1484-1685del (NM_001130984.2, NM_001130986.2); short protein forms P528fs, P496fs, P497fs, P527fs.
Identifiers: ClinVar variation 5004615 (VCV005004615.1).

ClinVar aggregate classification (germline): Pathogenic (1 of 4 stars; one submission).

Conditions:
Autosomal recessive limb-girdle muscular dystrophy. Identifiers: Orphanet 102015, MedGen C2931907, MONDO:0015152.

Submission:

Myriad Genetics, Inc.
Classification: Pathogenic for Autosomal recessive limb-girdle muscular dystrophy. Last evaluated: 2026-04-20. Review status: criteria provided, single submitter. Criteria: Myriad Autosomal Dominant, Autosomal Recessive and X-Linked Classification Criteria (2023). Collection method: clinical testing. Allele origin: unknown.
Comment: NM_003494.3(DYSF):c.1487delC(P496Lfs*131) is a frameshift variant classified as pathogenic in the context of dysferlinopathy. P496Lfs*131 has not been observed in cases with relevant disease. Relevant functional assessments of this variant are not available in the literature. P496Lfs*131 has not been observed in referenced population frequency databases. In summary, NM_003494.3(DYSF):c.1487delC(P496Lfs*131) is a frameshift variant in a gene where loss of function is a known mechanism of disease and is predicted to disrupt protein function. Please note: this variant was assessed in the context of healthy population screening.